The following is an entry in ClinVar:

ClinVar aggregate classification (germline): Uncertain significance. Review status: criteria provided, multiple submitters, no conflicts (2 of 4 stars). 3 submissions from 3 submitters: Uncertain significance (3). Last evaluated 2025-05-18.

Conditions:
Malignant hyperthermia, susceptibility to, 1 (MHS1). Also called: Anesthesia related hyperthermia; Malignant hyperpyrexia; Fulminating hyperpyrexia; Pharmacogenic myopathy; RYR1-Related Malignant Hyperthermia Susceptibility; Malignant hyperthermia suceptibility 1. Identifiers: Orphanet 423, MedGen C2930980, MONDO:0007783, OMIM 145600.

Allele frequency attached by ClinVar (database versions not stated): gnomAD exomes below 0.00001; ExAC 0.00001; gnomAD 0.00001; TOPMed 0.00002.
gnomAD v4.1: 4 of 1,614,012 alleles (0.00025%); highest among the groups gnomAD compares: African/African-American, 0.0013%; no homozygotes.

Submissions (3):

GeneDx
Classification: Uncertain significance. Last evaluated: 2025-05-18. Review status: criteria provided, single submitter. Criteria: GeneDx Variant Classification Process June 2021. Collection method: clinical testing. Allele origin: germline. Affected: yes.
Comment: Not observed at significant frequency in large population cohorts (gnomAD); In silico analysis supports that this missense variant has a deleterious effect on protein structure/function; Has not been previously published as pathogenic or benign to our knowledge

All of Us Research Program, National Institutes of Health
Classification: Uncertain significance for Malignant hyperthermia, susceptibility to, 1. Last evaluated: 2024-04-25. Review status: criteria provided, single submitter. Criteria: ACMG Guidelines, 2015. Collection method: clinical testing. Allele origin: germline. Inheritance: Autosomal dominant inheritance. Observed: 2 variant alleles, 2 heterozygotes.
Comment: This missense variant replaces alanine with valine at codon 3649 of the RYR1 protein. Computational prediction suggests that this variant may have deleterious impact on protein structure and function (internally defined REVEL score threshold >= 0.7, PMID: 27666373). To our knowledge, functional studies have not been reported for this variant. This variant has not been reported in individuals affected with RYR1-related disorders in the literature. This variant has been identified in 1/251424 chromosomes in the general population by the Genome Aggregation Database (gnomAD). The available evidence is insufficient to determine the role of this variant in disease conclusively. Therefore, this variant is classified as a Variant of Uncertain Significance.

This study involves interpretation of variants in research participants for the purpose of population health screening. Participant phenotype was not available at the time of variant classification. Additional details can be found in publication PMID: 35346344, PMCID: PMC8962531

Color Diagnostics, LLC DBA Color Health
Classification: Uncertain significance for Malignant hyperthermia, susceptibility to, 1. Last evaluated: 2024-04-17. Review status: criteria provided, single submitter. Criteria: ACMG Guidelines, 2015. Collection method: clinical testing. Allele origin: germline.
Comment: This missense variant replaces alanine with valine at codon 3649 of the RYR1 protein. Computational prediction suggests that this variant may have deleterious impact on protein structure and function. To our knowledge, functional studies have not been reported for this variant. This variant has not been reported in individuals affected with RYR1-related disorders in the literature. This variant has been identified in 1/251424 chromosomes in the general population by the Genome Aggregation Database (gnomAD). The available evidence is insufficient to determine the role of this variant in disease conclusively. Therefore, this variant is classified as a Variant of Uncertain Significance.

NM_000540.3(RYR1):c.10946C>T (p.Ala3649Val)

Gene: RYR1 (ryanodine receptor 1; plus strand). Cytogenetic location: 19q13.2.
Variant type: single nucleotide variant.
Coding change: c.10946C>T on transcript NM_000540.3 (MANE Select); coding-DNA position 10946, C replaced by T.
Protein change: p.Ala3649Val; replaces alanine 3649 with valine.
Molecular consequence: missense variant.
Genome position (GRCh38, 1-based): chr19:38,528,607, C>T. VCF-style: chr19-38528607-C-T. GRCh37 (hg19) VCF-style: chr19-39019247-C-T.
Other names: c.10931C>T, p.Ala3644Val (NM_001042723.2); short protein forms A3644V, A3649V.
Identifiers: ClinVar variation 3070633 (VCV003070633.4), dbSNP rs756650555, ClinGen allele CA055445.